The following is an entry in ClinVar:

ClinVar aggregate classification (germline): Uncertain significance (1 of 4 stars; one submission).

Allele frequency attached by ClinVar (database versions not stated): gnomAD 0.00001.
gnomAD v4.1: 2 of 1,614,022 alleles (0.00012%); highest among the groups gnomAD compares: African/African-American, 0.0013%; no homozygotes.

Submission:

Labcorp Genetics (formerly Invitae), Labcorp
Classification: Uncertain significance. Last evaluated: 2025-06-12. Review status: criteria provided, single submitter. Criteria: Invitae Variant Classification Sherloc (09022015). Collection method: clinical testing. Allele origin: germline.
Comment: This sequence change replaces glycine, which is neutral and non-polar, with valine, which is neutral and non-polar, at codon 665 of the GLIS3 protein (p.Gly665Val). This variant is present in population databases (no rsID available, gnomAD 0.01%). This variant has not been reported in the literature in individuals affected with GLIS3-related conditions. ClinVar contains an entry for this variant (Variation ID: 1955217). An algorithm developed to predict the effect of missense changes on protein structure and function (PolyPhen-2) suggests that this variant is likely to be disruptive. In summary, the available evidence is currently insufficient to determine the role of this variant in disease. Therefore, it has been classified as a Variant of Uncertain Significance.

NM_001042413.2(GLIS3):c.2459G>T (p.Gly820Val)

Gene: GLIS3 (GLIS family zinc finger 3; minus strand). Cytogenetic location: 9p24.2.
Variant type: single nucleotide variant.
Coding change: c.2459G>T on transcript NM_001042413.2 (MANE Select); coding-DNA position 2459, G replaced by T.
Protein change: p.Gly820Val; replaces glycine 820 with valine.
Molecular consequence: missense variant.
Genome position (GRCh38, 1-based): chr9:3,856,023, C>A on the plus strand (G>T on the coding strand, the complement: GLIS3 is on the minus strand). VCF-style: chr9-3856023-C-A. GRCh37 (hg19) VCF-style: chr9-3856023-C-A.
Other names: c.1994G>T, p.Gly665Val (NM_152629.4); short protein forms G665V, G820V.
Identifiers: ClinVar variation 1955217 (VCV001955217.5), dbSNP rs1335930082, ClinGen allele CA372805269.